The following is an entry in ClinVar:

ClinVar aggregate classification (germline): Likely benign (1 of 4 stars; one submission).

gnomAD v4.1: 120 of 1,614,182 alleles (0.0074%); highest among the groups gnomAD compares: East Asian, 0.22%; no homozygotes.

Submission:

CeGaT Center for Human Genetics Tuebingen
Classification: Likely benign. Last evaluated: 2025-05-01. Review status: criteria provided, single submitter. Criteria: CeGaT Center For Human Genetics Tuebingen Variant Classification Criteria Version 2. Collection method: clinical testing. Allele origin: germline. Affected: yes. Observed: 1 variant allele.
Comment: SPTBN1: BS1

NM_003128.3(SPTBN1):c.1490A>G (p.Lys497Arg)

Gene: SPTBN1 (spectrin beta, non-erythrocytic 1; plus strand). Cytogenetic location: 2p16.2.
Variant type: single nucleotide variant.
Coding change: c.1490A>G on transcript NM_003128.3 (MANE Select); coding-DNA position 1490, A replaced by G.
Protein change: p.Lys497Arg; replaces lysine 497 with arginine.
Molecular consequence: missense variant.
Genome position (GRCh38, 1-based): chr2:54,626,080, A>G. VCF-style: chr2-54626080-A-G. GRCh37 (hg19) VCF-style: chr2-54853217-A-G.
Other names: c.1451A>G, p.Lys484Arg (NM_178313.3); short protein forms K484R, K497R.
Identifiers: ClinVar variation 3905449 (VCV003905449.10).